The following is an entry in ClinVar:

NM_006306.4(SMC1A):c.802A>G (p.Lys268Glu)

Gene: SMC1A (structural maintenance of chromosomes 1A; minus strand). Cytogenetic location: Xp11.22.
Variant type: single nucleotide variant.
Coding change: c.802A>G on transcript NM_006306.4 (MANE Select); coding-DNA position 802, A replaced by G.
Protein change: p.Lys268Glu; replaces lysine 268 with glutamic acid.
Molecular consequence: missense variant.
Genome position (GRCh38, 1-based): chrX:53,412,952, T>C on the plus strand (A>G on the coding strand, the complement: SMC1A is on the minus strand). VCF-style: chrX-53412952-T-C. GRCh37 (hg19) VCF-style: chrX-53439902-T-C.
Other names: c.736A>G, p.Lys246Glu (NM_001281463.1); short protein forms K246E, K268E.
Identifiers: ClinVar variation 1691627 (VCV001691627.3), dbSNP rs1569359008, ClinGen allele CA413258385.
Genomic context (GRCh38, chrX:53,412,952, plus strand): 5'-CCTCTTACTTGATCTCCTTCTCAATCTGCTGCTGCTCCCGCATCATTTTGCCCAGCTCCT[T>C]CTTCTTCTCCTTCAGTTCATCCTCCACCTTGTCCATACGCTTCTTGTCCTTCTCGATCTC-3'
Protein context (NP_006297.2, residues 258-278): KVEDELKEKK[Lys268Glu]ELGKMMREQQ

ClinVar aggregate classification (germline): Likely benign (1 of 4 stars; one submission).

Allele frequency attached by ClinVar (database versions not stated): gnomAD exomes below 0.00001 and 0.00001.
gnomAD v4.1: 3 of 1,194,663 alleles (0.00025%); highest among the groups gnomAD compares: Non-Finnish European, 0.00034%; no homozygotes.

Submission:

GeneDx
Classification: Likely benign. Last evaluated: 2022-05-31. Review status: criteria provided, single submitter. Criteria: GeneDx Variant Classification Process June 2021. Collection method: clinical testing. Allele origin: germline. Affected: yes.
Comment: See Variant Classification Assertion Criteria.